The following is an entry in ClinVar:

NM_005045.4(RELN):c.2066G>A (p.Cys689Tyr)

Gene: RELN (reelin; minus strand). Cytogenetic location: 7q22.1.
Variant type: single nucleotide variant.
Coding change: c.2066G>A on transcript NM_005045.4 (MANE Select); coding-DNA position 2066, G replaced by A.
Protein change: p.Cys689Tyr; replaces cysteine 689 with tyrosine.
Molecular consequence: missense variant.
Genome position (GRCh38, 1-based): chr7:103,640,546, C>T on the plus strand (G>A on the coding strand, the complement: RELN is on the minus strand). VCF-style: chr7-103640546-C-T. GRCh37 (hg19) VCF-style: chr7-103280993-C-T.
Other names: c.2066G>A, p.Cys689Tyr (NM_173054.3); short protein forms C689Y.
Identifiers: ClinVar variation 1316099 (VCV001316099.3), dbSNP rs2117362100, ClinGen allele CA368762478.

ClinVar aggregate classification (germline): Uncertain significance. Review status: criteria provided, multiple submitters, no conflicts (2 of 4 stars). 2 submissions from 2 submitters: Uncertain significance (2). Last evaluated 2022-02-25.

Conditions:
Norman-Roberts syndrome (LIS2). Also called: Lissencephaly 2 (Norman-Roberts type). Identifiers: Orphanet 89844, MedGen C0796089, MONDO:0009760, OMIM 257320.

Submissions (2):

Pittsburgh Clinical Genomics Laboratory, University of Pittsburgh Medical Center
Classification: Uncertain significance for Norman-Roberts syndrome. Last evaluated: 2022-02-25. Review status: criteria provided, single submitter. Criteria: ACMG Guidelines, 2015. Collection method: clinical testing. Allele origin: germline. Inheritance: Autosomal dominant inheritance. Affected: yes.
Comment: This sequence variant is a single nucleotide substitution (G>A) which results in a cysteine to tyrosine amino acid change at residue 689 in the RELN protein. This is a novel variant which has not been reported in clinical genetics databases or observed in the medical literature in individuals with RELN-related disease, to our knowledge. This variant is absent from the gnomAD control population dataset (0/~250900 alleles). The variant occurs in the first EGF-like domain in the RELN protein (Uniprot). Multiple bioinformatic tools predict that this variant is likely to be damaging, and the Cys689 residue is highly conserved in vertebrates. Functiol studies assessing the effect of this variant on protein structure or activity have not been performed, to our knowledge. At this time, there is insufficient evidence to determine if this variant is pathogenic or benign. Therefore, we consider it to be a variant of uncertain significance. ACMG Criteria: BP1, PM2, PP3

GeneDx
Classification: Uncertain significance. Last evaluated: 2019-06-06. Review status: criteria provided, single submitter. Criteria: GeneDx Variant Classification Process June 2021. Collection method: clinical testing. Allele origin: germline. Affected: yes.
Comment: Not observed in large population cohorts (Lek et al., 2016); In silico analysis, which includes protein predictors and evolutionary conservation, supports a deleterious effect; Has not been previously published as pathogenic or benign to our knowledge